The following is an entry in ClinVar:

NM_000051.4(ATM):c.7788+8G>T

Genes: ATM (ATM serine/threonine kinase; plus strand), C11orf65 (chromosome 11 open reading frame 65; minus strand). Cytogenetic location: 11q22.3.
Variant type: single nucleotide variant.
Coding change: c.7788+8G>T on transcript NM_000051.4 (MANE Select); 8 bases into the intron after coding-DNA position 7788, G replaced by T.
Molecular consequence: intron variant.
Genome position (GRCh38, 1-based): chr11:108,332,045, G>T. VCF-style: chr11-108332045-G-T. GRCh37 (hg19) VCF-style: chr11-108202772-G-T.
Other names: IVS52+8G>T; p.?; c.7788+8G>T (NM_001351834.2); c.641-22974C>A (NM_001330368.2); c.*38+3175C>A (NM_001351110.2).
Identifiers: ClinVar variation 127450 (VCV000127450.100), dbSNP rs112775908, ClinGen allele CA287000.

ClinVar aggregate classification (germline): Conflicting classifications of pathogenicity. Review status: criteria provided, conflicting classifications (1 of 4 stars). 36 submissions from 36 submitters: Uncertain significance (1); Benign (10); Likely benign (12). 13 of the submissions do not count toward it. Last evaluated 2026-08-01.

Conditions:
ATM-related cancer predisposition. Also called: ATM-related cancer susceptibility. Identifiers: MedGen CN377759, MONDO:0700270.
Hereditary cancer-predisposing syndrome. Also called: Neoplastic Syndromes, Hereditary; Hereditary Cancer Syndrome; Tumor predisposition; Hereditary neoplastic syndrome. Identifiers: Orphanet 140162, MedGen C0027672, MeSH D009386, MONDO:0015356.
Breast and/or ovarian cancer. Identifiers: MedGen CN221562.
Familial cancer of breast. Also called: BREAST CANCER, FAMILIAL; hereditary breast carcinoma; Hereditary breast cancer. Identifiers: Orphanet 227535, MedGen C0346153, MONDO:0016419, OMIM 114480. Disease mechanism: loss of function.
Malignant tumor of breast. Also called: Malignant breast neoplasm; Cancer breast. Identifiers: MedGen C0006142, MONDO:0007254. Disease mechanism: loss of function.
Ataxia-telangiectasia syndrome (AT). Also called: Ataxia-telangiectasia, complementation group D; AT, COMPLEMENTATION GROUP C; Ataxia-telangiectasia; ATAXIA-TELANGIECTASIA, COMPLEMENTATION GROUP A; ATAXIA-TELANGIECTASIA, FRESNO VARIANT; Ataxia-telangiectasia, complementation group E. Identifiers: Orphanet 100, MedGen C0004135, MONDO:0008840, OMIM 208900.
Intellectual disability. Also called: Intellectual functioning disability; Intellectual developmental disorder; intellectual disabilities. Identifiers: MedGen C3714756, MeSH D008607, MONDO:0001071, HP:0001249.

Allele frequency attached by ClinVar (database versions not stated): 1000 Genomes Project 0.00080; ExAC 0.00153; gnomAD 0.00165 and 0.00166; ESP Exome Variant Server 0.00185; gnomAD exomes 0.00147; TOPMed 0.00153; 1000 Genomes Project 30x 0.00078.
gnomAD v4.1: 4,377 of 1,613,304 alleles (0.27%); highest among the groups gnomAD compares: Non-Finnish European, 0.34%; 10 homozygotes.

Submissions 1 to 26 of 36:

CeGaT Center for Human Genetics Tuebingen
Classification: Likely benign. Last evaluated: 2026-08-01. Review status: criteria provided, single submitter. Criteria: CeGaT Center For Human Genetics Tuebingen Variant Classification Criteria Version 2. Collection method: clinical testing. Allele origin: germline. Affected: yes. Observed: 36 variant alleles.
Comment: ATM: BP4, BS2

Labcorp Genetics (formerly Invitae), Labcorp
Classification: Benign for Ataxia-telangiectasia syndrome. Last evaluated: 2026-02-04. Review status: criteria provided, single submitter. Criteria: Invitae Variant Classification Sherloc (09022015). Collection method: clinical testing. Allele origin: germline.

Mayo Clinic Laboratories, Mayo Clinic
Classification: Likely benign. Last evaluated: 2025-12-09. Review status: criteria provided, single submitter. Criteria: ACMG Guidelines, 2015. Collection method: clinical testing. Allele origin: germline. Observed: 19 variant alleles.
Comment: BS1, BP4, BP7

Dasa
Classification: Likely benign for ATM-related cancer predisposition. Last evaluated: 2025-11-05. Review status: criteria provided, single submitter. Criteria: DASA Assertion Criteria. Collection method: clinical testing. Allele origin: germline.
Comment: NM_000051.4(ATM):c.7788+8G>T is a splice-region variant predicted to affect normal RNA splicing. Multiple computational predictions suggest no deleterious effect on the gene or gene product. The variant is present at low frequency in population datasets. Based on the available data, this variant is classified as likely benign.

ARUP Laboratories, Molecular Genetics and Genomics, ARUP Laboratories
Classification: Likely benign. Last evaluated: 2025-04-14. Review status: criteria provided, single submitter. Criteria: ARUP Molecular Germline Variant Investigation Process 2024. Collection method: clinical testing. Allele origin: germline.

Center for Genomic Medicine, Rigshospitalet, Copenhagen University Hospital
Classification: Likely benign. Last evaluated: 2025-03-04. Review status: criteria provided, single submitter. Criteria: ACMG Guidelines, 2015. Collection method: clinical testing. Allele origin: germline.

KCCC/NGS Laboratory, Kuwait Cancer Control Center
Classification: Benign for Familial cancer of breast. Last evaluated: 2025-02-01. Review status: criteria provided, single submitter. Criteria: ACMG Guidelines, 2015. Collection method: clinical testing. Allele origin: germline. Affected: no.

Blueprint Genetics
Classification: Likely benign. Last evaluated: 2024-11-06. Review status: criteria provided, single submitter. Criteria: ACMG Guidelines, 2015. Collection method: clinical testing. Allele origin: germline.

Myriad Genetics, Inc.
Classification: Benign for Familial cancer of breast. Last evaluated: 2024-06-17. Review status: criteria provided, single submitter. Criteria: Myriad Autosomal Dominant, Autosomal Recessive and X-Linked Classification Criteria (2023). Collection method: clinical testing. Allele origin: unknown.
Comment: This variant is considered benign. This variant is intronic and is not expected to impact mRNA splicing. This variant is strongly associated with less severe personal and family histories of cancer, typical for individuals without pathogenic variants in this gene [PMID: 25085752].

CHEO Genetics Diagnostic Laboratory, Children's Hospital of Eastern Ontario
Classification: Likely benign for Breast and/or ovarian cancer. Last evaluated: 2023-05-23. Review status: criteria provided, single submitter. Criteria: ACMG Guidelines, 2015. Collection method: clinical testing. Allele origin: germline.

Quest Diagnostics Nichols Institute San Juan Capistrano
Classification: Benign. Last evaluated: 2022-09-22. Review status: criteria provided, single submitter. Criteria: Quest Diagnostics criteria. Collection method: clinical testing. Allele origin: unknown.

Genetic Services Laboratory, University of Chicago
Classification: Benign. Last evaluated: 2021-02-15. Review status: criteria provided, single submitter. Criteria: ACMG Guidelines, 2015. Collection method: clinical testing. Allele origin: germline. Affected: no.

Sema4
Classification: Benign for Hereditary cancer-predisposing syndrome. Last evaluated: 2020-08-21. Review status: criteria provided, single submitter. Criteria: Sema4 Curation Guidelines. Collection method: curation. Allele origin: germline.

Cambridge Genomics Laboratory, East Genomic Laboratory Hub, NHS Genomic Medicine Service
Classification: Benign for Intellectual disability. Last evaluated: 2019-09-11. Review status: criteria provided, single submitter. Criteria: ACGS Best Practice Guidelines for Variant Classification in Rare Disease 2020. Collection method: clinical testing. Allele origin: germline. Affected: yes. Observed: 1 variant allele.

Mendelics
Classification: Likely benign for Ataxia-telangiectasia syndrome. Last evaluated: 2019-05-28. Review status: criteria provided, single submitter. Criteria: Mendelics Assertion Criteria 2017. Collection method: clinical testing. Allele origin: unknown.

Athena Diagnostics
Classification: Benign. Last evaluated: 2018-08-17. Review status: criteria provided, single submitter. Criteria: Athena Diagnostics Criteria. Collection method: clinical testing. Allele origin: germline.

Eurofins Ntd Llc (ga)
Classification: Likely benign. Last evaluated: 2018-05-29. Review status: criteria provided, single submitter. Criteria: EGL ClinVar v180209 classification definitions. Collection method: clinical testing. Allele origin: germline. Observed: 2 variant alleles, 2 heterozygotes.

Illumina Laboratory Services, Illumina
Classification: Uncertain significance for Ataxia-telangiectasia syndrome. Last evaluated: 2017-04-27. Review status: criteria provided, single submitter. Criteria: ICSL Variant Classification Criteria 13 December 2019. Collection method: clinical testing. Allele origin: germline.

Women's Health and Genetics/Laboratory Corporation of America, LabCorp
Classification: Benign. Last evaluated: 2017-02-09. Review status: criteria provided, single submitter. Criteria: LabCorp Variant Classification Summary - May 2015. Collection method: clinical testing. Allele origin: germline.

Ambry Genetics
Classification: Likely benign for Hereditary cancer-predisposing syndrome. Last evaluated: 2015-08-13. Review status: criteria provided, single submitter. Criteria: Ambry Variant Classification Scheme 2023. Collection method: clinical testing. Allele origin: germline.

GeneDx
Classification: Benign. Last evaluated: 2015-04-13. Review status: criteria provided, single submitter. Criteria: GeneDx Variant Classification (06012015). Collection method: clinical testing. Allele origin: germline. Affected: yes.
Comment: This variant is considered likely benign or benign based on one or more of the following criteria: it is a conservative change, it occurs at a poorly conserved position in the protein, it is predicted to be benign by multiple in silico algorithms, and/or has population frequency not consistent with disease.

Color Diagnostics, LLC DBA Color Health
Classification: Likely benign for Hereditary cancer-predisposing syndrome. Last evaluated: 2015-01-09. Review status: criteria provided, single submitter. Criteria: ACMG Guidelines, 2015. Collection method: clinical testing. Allele origin: germline.

PreventionGenetics, part of Exact Sciences
Classification: Likely benign. Review status: criteria provided, single submitter. Criteria: ACMG Guidelines, 2015. Collection method: clinical testing. Allele origin: germline.

Institute for Biomarker Research, Medical Diagnostic Laboratories, L.L.C.
Classification: Likely benign for Hereditary cancer-predisposing syndrome. Last evaluated: 2021-09-15. Review status: no assertion criteria provided. Collection method: clinical testing. Allele origin: germline. Not counted in ClinVar's aggregate classification.

Natera, Inc.
Classification: Likely benign for Ataxia-telangiectasia. Last evaluated: 2019-10-30. Review status: no assertion criteria provided. Collection method: clinical testing. Allele origin: germline. Not counted in ClinVar's aggregate classification.

True Health Diagnostics
Classification: Likely benign for Hereditary cancer-predisposing syndrome. Last evaluated: 2018-08-07. Review status: no assertion criteria provided. Collection method: clinical testing. Allele origin: germline. Not counted in ClinVar's aggregate classification.